The following is an entry in ClinVar:

NM_001145319.2(PLS1):c.812T>C (p.Leu271Ser)

Gene: PLS1 (plastin 1; plus strand). Cytogenetic location: 3q23.
Variant type: single nucleotide variant.
Coding change: c.812T>C on transcript NM_001145319.2 (MANE Select); coding-DNA position 812, T replaced by C.
Protein change: p.Leu271Ser; replaces leucine 271 with serine.
Molecular consequence: missense variant.
Genome position (GRCh38, 1-based): chr3:142,684,319, T>C. VCF-style: chr3-142684319-T-C. GRCh37 (hg19) VCF-style: chr3-142403161-T-C.
Other names: c.812T>C, p.Leu271Ser (NM_001172312.2, NM_002670.3); c.812T>C (NM_001145319.1); short protein forms L271S.
Identifiers: ClinVar variation 2457356 (VCV002457356.4), dbSNP rs375940274, ClinGen allele CA2651133.

ClinVar aggregate classification (germline): Uncertain significance. Review status: criteria provided, multiple submitters, no conflicts (2 of 4 stars). 2 submissions from 2 submitters: Uncertain significance (2). Last evaluated 2025-08-22.

Conditions:
PLS1-related disorder. Also called: PLS1-related condition.
Inborn genetic diseases. Identifiers: MedGen C0950123, MeSH D030342.

Allele frequency attached by ClinVar (database versions not stated): ExAC 0.00007; gnomAD 0.00008; gnomAD exomes 0.00008; TOPMed 0.00010; ESP Exome Variant Server 0.00015.
gnomAD v4.1: 135 of 1,613,828 alleles (0.0084%); highest among the groups gnomAD compares: Non-Finnish European, 0.011%; no homozygotes.

Submissions (2):

Ambry Genetics
Classification: Uncertain significance for Inborn genetic diseases. Last evaluated: 2025-08-22. Review status: criteria provided, single submitter. Criteria: Ambry Variant Classification Scheme 2023. Collection method: clinical testing. Allele origin: germline.

PreventionGenetics, part of Exact Sciences
Classification: Uncertain significance for PLS1-related condition. Last evaluated: 2023-02-03. Review status: criteria provided, single submitter. Criteria: ACMG Guidelines, 2015. Collection method: clinical testing. Allele origin: germline.
Comment: The PLS1 c.812T>C variant is predicted to result in the amino acid substitution p.Leu271Ser. To our knowledge, this variant has not been reported in the literature. This variant is reported in 0.019% of alleles in individuals of European (Non-Finnish) descent in gnomAD. At this time, the clinical significance of this variant is uncertain due to the absence of conclusive functional and genetic evidence.